The following is an entry in ClinVar:

NM_002386.4(MC1R):c.380C>T (p.Ser127Phe)

Gene: MC1R (melanocortin 1 receptor; plus strand). Cytogenetic location: 16q24.3.
Variant type: single nucleotide variant.
Coding change: c.380C>T on transcript NM_002386.4 (MANE Select); coding-DNA position 380, C replaced by T.
Protein change: p.Ser127Phe; replaces serine 127 with phenylalanine.
Molecular consequence: missense variant.
Genome position (GRCh38, 1-based): chr16:89,919,638, C>T. VCF-style: chr16-89919638-C-T. GRCh37 (hg19) VCF-style: chr16-89986046-C-T.
Other names: short protein forms S127F.
Identifiers: ClinVar variation 3543983 (VCV003543983.2).

ClinVar aggregate classification (germline): Uncertain significance. Review status: criteria provided, multiple submitters, no conflicts (2 of 4 stars). 2 submissions from 2 submitters: Uncertain significance (2). Last evaluated 2025-11-17.

Conditions:
Melanoma, cutaneous malignant, susceptibility to, 5. Also called: Cutaneous malignant melanoma 5. Identifiers: Orphanet 618, MedGen C2751295, MONDO:0013133, OMIM 613099.

gnomAD v4.1: 6 of 1,606,946 alleles (0.00037%); highest among the groups gnomAD compares: Admixed American, 0.0033%; no homozygotes.

Submissions (2):

Labcorp Genetics (formerly Invitae), Labcorp
Classification: Uncertain significance for Melanoma, cutaneous malignant, susceptibility to, 5. Last evaluated: 2025-11-17. Review status: criteria provided, single submitter. Criteria: Invitae Variant Classification Sherloc (09022015). Collection method: clinical testing. Allele origin: germline.
Comment: This sequence change replaces serine, which is neutral and polar, with phenylalanine, which is neutral and non-polar, at codon 127 of the MC1R protein (p.Ser127Phe). This variant is present in population databases (no rsID available, gnomAD 0.006%). This variant has not been reported in the literature in individuals affected with MC1R-related conditions. ClinVar contains an entry for this variant (Variation ID: 3543983). Invitae Evidence Modeling of protein sequence and biophysical properties (such as structural, functional, and spatial information, amino acid conservation, physicochemical variation, residue mobility, and thermodynamic stability) indicates that this missense variant is not expected to disrupt MC1R protein function with a negative predictive value of 80%. In summary, the available evidence is currently insufficient to determine the role of this variant in disease. Therefore, it has been classified as a Variant of Uncertain Significance.

Ambry Genetics
Classification: Uncertain significance. Last evaluated: 2024-11-28. Review status: criteria provided, single submitter. Criteria: Ambry Variant Classification Scheme 2023. Collection method: clinical testing. Allele origin: germline.
Comment: The p.S127F variant (also known as c.380C>T), located in coding exon 1 of the MC1R gene, results from a C to T substitution at nucleotide position 380. The serine at codon 127 is replaced by phenylalanine, an amino acid with highly dissimilar properties. This amino acid position is conserved. In addition, this alteration is predicted to be tolerated by in silico analysis. Based on the available evidence, the clinical significance of this variant remains unclear.